The following is an entry in ClinVar:

NM_001367624.2(ZNF469):c.10000G>T (p.Asp3334Tyr)

Genes: ZNF469 (zinc finger protein 469; plus strand), LOC130059719 (ATAC-STARR-seq lymphoblastoid silent region 7848; plus strand). Cytogenetic location: 16q24.2.
Variant type: single nucleotide variant.
Coding change: c.10000G>T on transcript NM_001367624.2 (MANE Select); coding-DNA position 10000, G replaced by T.
Protein change: p.Asp3334Tyr; replaces aspartic acid 3334 with tyrosine.
Molecular consequence: missense variant.
Genome position (GRCh38, 1-based): chr16:88,437,470, G>T. VCF-style: chr16-88437470-G-T. GRCh37 (hg19) VCF-style: chr16-88503878-G-T.
Other names: NM_001127464.1:c.9916G>T; short protein forms D3334Y.
Identifiers: ClinVar variation 1768599 (VCV001768599.2), dbSNP rs1906675163, ClinGen allele CA397125413.
Genomic context (GRCh38, chr16:88,437,470, plus strand): 5'-GACCCCTGGGCCGGCGGGGAGCCCCTCCTGCAAGCCACCCCGGTGCACGAGGCCTGCAAG[G>T]ACCCCTCCCGCGACTGCCACCACTGCGGGAAGCGCTTCCCCAAGCCCTTCAAGCTGCAGC-3'
Protein context (NP_001354553.1, residues 3324-3344): QATPVHEACK[Asp3334Tyr]PSRDCHHCGK

ClinVar aggregate classification (germline): Uncertain significance (1 of 4 stars; one submission).

Conditions:
Cardiovascular phenotype. Identifiers: MedGen CN230736.

Submission:

Ambry Genetics
Classification: Uncertain significance for Cardiovascular phenotype. Last evaluated: 2020-07-27. Review status: criteria provided, single submitter. Criteria: Ambry Variant Classification Scheme 2023. Collection method: clinical testing. Allele origin: germline.
Comment: The p.D3306Y variant (also known as c.9916G>T), located in coding exon 2 of the ZNF469 gene, results from a G to T substitution at nucleotide position 9916. The aspartic acid at codon 3306 is replaced by tyrosine, an amino acid with highly dissimilar properties. This amino acid position is highly conserved in available vertebrate species. In addition, this alteration is predicted to be tolerated by in silico analysis. Since supporting evidence is limited at this time, the clinical significance of this alteration remains unclear.